The following is an entry in ClinVar:

ClinVar aggregate classification (germline): Uncertain significance (1 of 4 stars; one submission).

Conditions:
SEMA3G-related disorder. Also called: SEMA3G-related condition.

Submission:

PreventionGenetics, part of Exact Sciences
Classification: Uncertain significance for SEMA3G-related condition. Last evaluated: 2025-02-28. Review status: criteria provided, single submitter. Criteria: ACMG Guidelines, 2015. Collection method: clinical testing. Allele origin: germline.
Comment: The SEMA3G c.1117A>C variant is predicted to result in the amino acid substitution p.Lys373Gln. To our knowledge, this variant has not been reported in the literature or in a large population database (gnomAD), indicating this variant is rare. At this time, the clinical significance of this variant is uncertain due to the absence of conclusive functional and genetic evidence.

NM_020163.3(SEMA3G):c.1117A>C (p.Lys373Gln)

Gene: SEMA3G (semaphorin 3G; minus strand). Cytogenetic location: 3p21.1.
Variant type: single nucleotide variant.
Coding change: c.1117A>C on transcript NM_020163.3 (MANE Select); coding-DNA position 1117, A replaced by C.
Protein change: p.Lys373Gln; replaces lysine 373 with glutamine.
Molecular consequence: missense variant.
Genome position (GRCh38, 1-based): chr3:52,440,403, T>G on the plus strand (A>C on the coding strand, the complement: SEMA3G is on the minus strand). VCF-style: chr3-52440403-T-G. GRCh37 (hg19) VCF-style: chr3-52474419-T-G.
Other names: short protein forms K373Q.
Identifiers: ClinVar variation 4987936 (VCV004987936.1).